The following is an entry in ClinVar:

ClinVar aggregate classification (germline): Uncertain significance (1 of 4 stars; one submission).

Conditions:
Hereditary sensory and autonomic neuropathy type 6. Also called: HSAN VI; Neuropathy, hereditary sensory and autonomic, type VI. Identifiers: Orphanet 314381, MedGen C3539003, MONDO:0013839, OMIM 614653.
Epidermolysis bullosa simplex 3, localized or generalized intermediate, with BP230 deficiency (EBS3). Also called: Epidermolysis bullosa simplex, autosomal recessive 2; Epidermolysis bullosa simplex due to BP230 deficiency. Identifiers: Orphanet 412181, MedGen C3809470, MONDO:0014180, OMIM 615425.

Submission:

Labcorp Genetics (formerly Invitae), Labcorp
Classification: Uncertain significance for Epidermolysis bullosa simplex 3, localized or generalized intermediate, with BP230 deficiency; Hereditary sensory and autonomic neuropathy type 6. Last evaluated: 2022-07-08. Review status: criteria provided, single submitter. Criteria: Invitae Variant Classification Sherloc (09022015). Collection method: clinical testing. Allele origin: germline.
Comment: In summary, the available evidence is currently insufficient to determine the role of this variant in disease. Therefore, it has been classified as a Variant of Uncertain Significance. Experimental studies and prediction algorithms are not available or were not evaluated, and the effect of this variant on mRNA splicing is currently unknown. This variant has not been reported in the literature in individuals affected with DST-related conditions. This variant is not present in population databases (gnomAD no frequency). This sequence change affects codon 3942 of the DST mRNA. It is a 'silent' change, meaning that it does not change the encoded amino acid sequence of the DST protein. The DST gene has multiple clinically relevant transcripts. This variant occurs in alternate transcript NM_015548.4, and corresponds to NM_001723.5: c.*113952G>A in the primary transcript.

NM_001374736.1(DST):c.19695G>A (p.Leu6565=)

Gene: DST (dystonin; minus strand). Cytogenetic location: 6p12.1.
Variant type: single nucleotide variant.
Coding change: c.19695G>A on transcript NM_001374736.1 (MANE Select); coding-DNA position 19695, G replaced by A.
Protein change: p.Leu6565=; no amino-acid change (leucine 6565 retained).
Molecular consequence: synonymous variant.
Genome position (GRCh38, 1-based): chr6:56,501,565, C>T on the plus strand (G>A on the coding strand, the complement: DST is on the minus strand). VCF-style: chr6-56501565-C-T. GRCh37 (hg19) VCF-style: chr6-56366363-C-T.
Other names: c.13338G>A, p.Leu4446= (NM_001144769.5); c.12924G>A, p.Leu4308= (NM_001144770.2); c.19695G>A, p.Leu6565= (NM_001374722.1); c.18735G>A, p.Leu6245= (NM_001374729.1); c.12477G>A, p.Leu4159= (NM_001374730.1); c.19722G>A, p.Leu6574= (NM_001374734.1); c.12804G>A, p.Leu4268= (NM_001386100.1, NM_183380.4); c.11826G>A, p.Leu3942= (NM_015548.5).
Identifiers: ClinVar variation 1914491 (VCV001914491.5), dbSNP rs2534157486, ClinGen allele CA450490088.